The following is an entry in ClinVar:

NM_000548.5(TSC2):c.5371G>A (p.Gly1791Ser)

Gene: TSC2 (TSC complex subunit 2; plus strand). Cytogenetic location: 16p13.3.
Variant type: single nucleotide variant.
Coding change: c.5371G>A on transcript NM_000548.5 (MANE Select); coding-DNA position 5371, G replaced by A.
Protein change: p.Gly1791Ser; replaces glycine 1791 with serine.
Molecular consequence: missense variant.
Genome position (GRCh38, 1-based): chr16:2,088,557, G>A. VCF-style: chr16-2088557-G-A. GRCh37 (hg19) VCF-style: chr16-2138558-G-A.
Other names: c.5170G>A, p.Gly1724Ser (NM_001077183.3); c.5302G>A, p.Gly1768Ser (NM_001114382.3); c.5062G>A, p.Gly1688Ser (NM_001318827.2); c.5026G>A, p.Gly1676Ser (NM_001318829.2); c.4639G>A, p.Gly1547Ser (NM_001318831.2); c.5203G>A, p.Gly1735Ser (NM_001318832.2); c.5173G>A, p.Gly1725Ser (NM_001363528.2); c.5239G>A, p.Gly1747Ser (NM_001370404.1); and 2 more; short protein forms G1791S, G1688S, G1725S, G1744S, G1748S, G1768S, G1735S, G1547S.
Identifiers: ClinVar variation 49998 (VCV000049998.4), dbSNP rs45517421, ClinGen allele CA022427.

ClinVar aggregate classification (germline): Uncertain significance. Review status: criteria provided, multiple submitters, no conflicts (2 of 4 stars). 3 submissions from 3 submitters: Uncertain significance (2). 1 of the submissions does not count toward it. Last evaluated 2026-04-09.

Conditions:
Hereditary cancer-predisposing syndrome. Also called: Neoplastic Syndromes, Hereditary; Hereditary neoplastic syndrome; Tumor predisposition; Hereditary Cancer Syndrome. Identifiers: Orphanet 140162, MedGen C0027672, MeSH D009386, MONDO:0015356.
Tuberous sclerosis syndrome (TSC). Also called: Tuberous sclerosis; Tuberous Sclerosis Complex. Identifiers: Orphanet 805, MedGen C0041341, MONDO:0001734.
Tuberous sclerosis 2 (TSC2). Identifiers: Orphanet 805, MedGen C1860707, MONDO:0013199, OMIM 613254.

Allele frequency attached by ClinVar (database versions not stated): TOPMed below 0.00001; gnomAD exomes below 0.00001.

Submissions (3):

Ambry Genetics
Classification: Uncertain significance for Hereditary cancer-predisposing syndrome. Last evaluated: 2026-04-09. Review status: criteria provided, single submitter. Criteria: Ambry Variant Classification Scheme 2023. Collection method: clinical testing. Allele origin: germline.
Comment: The p.G1791S variant (also known as c.5371G>A), located in coding exon 41 of the TSC2 gene, results from a G to A substitution at nucleotide position 5371. The glycine at codon 1791 is replaced by serine, an amino acid with similar properties. This amino acid position is highly conserved in available vertebrate species. In addition, this alteration is predicted to be deleterious by in silico analysis. Based on the available evidence, the clinical significance of this variant remains unclear.

St. Jude Molecular Pathology, St. Jude Children's Research Hospital
Classification: Uncertain significance for Tuberous sclerosis 2. Last evaluated: 2023-09-08. Review status: criteria provided, single submitter. Criteria: St. Jude Assertion Criteria 2020. Collection method: clinical testing. Allele origin: germline.
Comment: The TSC2 c.5371G>A (p.Gly1791Ser) missense change is absent in gnomAD v2.1.1. The in silico tool REVEL is inconclusive about a pathogenic or benign effect of this variant on protein function, and to our knowledge functional studies have not been performed. To our knowledge, this variant has not been reported in individuals with tuberous sclerosis complex. In summary, the evidence currently available is insufficient to determine the clinical significance of this variant. It has therefore been classified as of uncertain significance.

Tuberous sclerosis database (TSC2)
No classification provided. Condition: TSC. Review status: no classification provided. Criteria: Tuberous Sclerosis Database Assertion Criteria 2015. Collection method: curation. Allele origin: germline. Affected: yes. Not counted in ClinVar's aggregate classification.